The following is an entry in ClinVar:

ClinVar aggregate classification (germline): Conflicting classifications of pathogenicity. Review status: criteria provided, conflicting classifications (1 of 4 stars). 4 submissions from 4 submitters: Uncertain significance (3); Likely benign (1). Last evaluated 2026-04-16.

Conditions:
CYP27A1-related disorder. Also called: CYP27A1-related condition.
Cholestanol storage disease (CTX). Also called: CEREBRAL CHOLESTERINOSIS; Cerebrotendinous Xanthomatosis; CTX: Cerebrotendinous xanthomatosis. Identifiers: Orphanet 909, MedGen C0238052, MONDO:0008948, OMIM 213700.

gnomAD v4.1: 137 of 1,614,022 alleles (0.0085%); highest among the groups gnomAD compares: Non-Finnish European, 0.012%; no homozygotes.

Submissions (4):

PreventionGenetics, part of Exact Sciences
Classification: Uncertain significance for CYP27A1-related condition. Last evaluated: 2026-04-16. Review status: criteria provided, single submitter. Criteria: ACMG Guidelines, 2015. Collection method: clinical testing. Allele origin: germline.
Comment: The CYP27A1 c.506C>A variant is predicted to result in the amino acid substitution p.Ala169Glu. To our knowledge, this variant has not been reported in the literature. This variant is reported in 0.012% of alleles in individuals of European (Non-Finnish) descent in gnomAD. At this time, the clinical significance of this variant is uncertain due to the absence of conclusive functional and genetic evidence.

Labcorp Genetics (formerly Invitae), Labcorp
Classification: Likely benign for Cholestanol storage disease. Last evaluated: 2026-01-26. Review status: criteria provided, single submitter. Criteria: Invitae Variant Classification Sherloc (09022015). Collection method: clinical testing. Allele origin: germline.

GeneDx
Classification: Uncertain significance. Last evaluated: 2025-05-14. Review status: criteria provided, single submitter. Criteria: GeneDx Variant Classification Process June 2021. Collection method: clinical testing. Allele origin: germline. Affected: yes.
Comment: In silico analysis suggests that this missense variant does not alter protein structure/function; Has not been previously published as pathogenic or benign to our knowledge

Mayo Clinic Laboratories, Mayo Clinic
Classification: Uncertain significance. Last evaluated: 2024-07-16. Review status: criteria provided, single submitter. Criteria: ACMG Guidelines, 2015. Collection method: clinical testing. Allele origin: germline. Observed: 2 variant alleles.
Comment: BP4

NM_000784.4(CYP27A1):c.506C>A (p.Ala169Glu)

Gene: CYP27A1 (cytochrome P450 family 27 subfamily A member 1; plus strand). Cytogenetic location: 2q35.
Variant type: single nucleotide variant.
Coding change: c.506C>A on transcript NM_000784.4 (MANE Select); coding-DNA position 506, C replaced by A.
Protein change: p.Ala169Glu; replaces alanine 169 with glutamic acid.
Molecular consequence: missense variant.
Genome position (GRCh38, 1-based): chr2:218,812,281, C>A. VCF-style: chr2-218812281-C-A. GRCh37 (hg19) VCF-style: chr2-219677004-C-A.
Other names: p.Ala169Glu; c.506C>A (NM_000784.3); short protein forms A169E.
Identifiers: ClinVar variation 1104671 (VCV001104671.12), dbSNP rs59443548, ClinGen allele CA2112629.